The following is an entry in ClinVar:

ClinVar aggregate classification (germline): Conflicting classifications of pathogenicity. Review status: criteria provided, conflicting classifications (1 of 4 stars). 4 submissions from 4 submitters: Uncertain significance (1); Likely benign (2). 1 of the submissions does not count toward it. Last evaluated 2023-08-17.

Conditions:
Rubinstein-Taybi syndrome due to EP300 haploinsufficiency. Also called: RUBINSTEIN-TAYBI SYNDROME 2; EP300-Related Rubinstein-Taybi Syndrome. Identifiers: Orphanet 353284, Orphanet 783, MedGen C3150941, MONDO:0013364, OMIM 613684.
EP300-related disorder. Also called: EP300-related condition; EP300-related disorders.
Inborn genetic diseases. Identifiers: MedGen C0950123, MeSH D030342.

Allele frequency attached by ClinVar (database versions not stated): gnomAD exomes below 0.00001 and 0.00002; ExAC 0.00002; gnomAD 0.00005 and 0.00006; TOPMed 0.00006; ESP Exome Variant Server 0.00008.
gnomAD v4.1: 15 of 1,614,032 alleles (0.00093%); highest among the groups gnomAD compares: African/African-American, 0.015%; no homozygotes.

Submissions (4):

PreventionGenetics, part of Exact Sciences
Classification: Uncertain significance for EP300-related condition. Last evaluated: 2023-08-17. Review status: criteria provided, single submitter. Criteria: ACMG Guidelines, 2015. Collection method: clinical testing. Allele origin: germline.
Comment: The EP300 c.6649G>A variant is predicted to result in the amino acid substitution p.Val2217Ile. To our knowledge, this variant has not been reported in the literature. This variant is reported in 0.037% of alleles in individuals of African descent in gnomAD, which may be too common to be an undocumented pathogenic variant. Although we suspect that this variant may be benign, at this time, the clinical significance of this variant is uncertain due to the absence of conclusive functional and genetic evidence.

Labcorp Genetics (formerly Invitae), Labcorp
Classification: Likely benign for Rubinstein-Taybi syndrome due to EP300 haploinsufficiency. Last evaluated: 2023-07-22. Review status: criteria provided, single submitter. Criteria: Invitae Variant Classification Sherloc (09022015). Collection method: clinical testing. Allele origin: germline.

Ambry Genetics
Classification: Likely benign for Inborn genetic diseases. Last evaluated: 2023-03-14. Review status: criteria provided, single submitter. Criteria: Ambry Variant Classification Scheme 2023. Collection method: clinical testing. Allele origin: germline.

Department of Pathology and Laboratory Medicine, Sinai Health System
Classification: Uncertain significance. Review status: no assertion criteria provided. Collection method: clinical testing. Allele origin: unknown. Affected: yes. Study: The Canadian Open Genetics Repository (COGR). Not counted in ClinVar's aggregate classification.
Comment: The EP300 p.Val2217Ile variant was not identified in the literature nor was it identified in ClinVar, Cosmic or LOVD 3.0. The variant was identified in dbSNP (ID: rs368554118) and in control databases in 6 of 251288 chromosomes at a frequency of 0.000024 (Genome Aggregation Database Feb 27, 2017). The variant was observed in the African population in 6 of 16242 chromosomes (freq: 0.000369); it was not observed in the Latino, Ashkenazi Jewish, East Asian, European (Finnish), European (non-Finnish), Other or South Asian populations. The p.Val2217 residue is not conserved in mammals and computational analyses (PolyPhen-2, SIFT, AlignGVGD, BLOSUM, MutationTaster) do not suggest a high likelihood of impact to the protein; however, this information is not predictive enough to rule out pathogenicity. The variant occurs outside of the splicing consensus sequence and in silico or computational prediction software programs (SpliceSiteFinder, MaxEntScan, NNSPLICE, GeneSplicer) do not predict a difference in splicing. In summary, based on the above information the clinical significance of this variant cannot be determined with certainty at this time. This variant is classified as a variant of uncertain significance.

NM_001429.4(EP300):c.6649G>A (p.Val2217Ile)

Gene: EP300 (EP300 lysine acetyltransferase; plus strand). Cytogenetic location: 22q13.2.
Variant type: single nucleotide variant.
Coding change: c.6649G>A on transcript NM_001429.4 (MANE Select); coding-DNA position 6649, G replaced by A.
Protein change: p.Val2217Ile; replaces valine 2217 with isoleucine.
Molecular consequence: missense variant.
Genome position (GRCh38, 1-based): chr22:41,178,360, G>A. VCF-style: chr22-41178360-G-A. GRCh37 (hg19) VCF-style: chr22-41574364-G-A.
Other names: c.6571G>A, p.Val2191Ile (NM_001362843.2); c.6649G>A (NM_001429.3); short protein forms V2191I, V2217I.
Identifiers: ClinVar variation 1050763 (VCV001050763.7), dbSNP rs368554118, ClinGen allele CA10253910.
Genomic context (GRCh38, chr22:41,178,360, plus strand): 5'-GCAGGGCCAGGAATAGGCCCTGGAATGGCCAACCATAACCAGTTCCAGCAACCCCAAGGA[G>A]TTGGCTACCCACCACAGCAGCAGCAGCGGATGCAGCATCACATGCAACAGATGCAACAAG-3'
Protein context (NP_001420.2, residues 2207-2227): NHNQFQQPQG[Val2217Ile]GYPPQQQQRM